The following is an entry in ClinVar:

NM_133497.4(KCNV2):c.870G>A (p.Gly290=)

Gene: KCNV2 (potassium voltage-gated channel modifier subfamily V member 2; plus strand). Cytogenetic location: 9p24.2.
Variant type: single nucleotide variant.
Coding change: c.870G>A on transcript NM_133497.4 (MANE Select); coding-DNA position 870, G replaced by A.
Protein change: p.Gly290=; no amino-acid change (glycine 290 retained).
Molecular consequence: synonymous variant.
Genome position (GRCh38, 1-based): chr9:2,718,609, G>A. VCF-style: chr9-2718609-G-A. GRCh37 (hg19) VCF-style: chr9-2718609-G-A.
Identifiers: ClinVar variation 4986813 (VCV004986813.1).

ClinVar aggregate classification (germline): Likely benign (1 of 4 stars; one submission).

Conditions:
KCNV2-related disorder. Also called: KCNV2-related condition.

gnomAD v4.1: 15 of 1,613,070 alleles (0.00093%); highest among the groups gnomAD compares: East Asian, 0.0022%; no homozygotes.

Submission:

PreventionGenetics, part of Exact Sciences
Classification: Likely benign for KCNV2-related condition. Last evaluated: 2025-12-30. Review status: criteria provided, single submitter. Criteria: ACMG Guidelines, 2015. Collection method: clinical testing. Allele origin: germline.
Comment: This variant is classified as likely benign based on ACMG/AMP sequence variant interpretation guidelines (Richards et al. 2015 PMID: 25741868, with internal and published modifications).